The following is an entry in ClinVar:

NM_014009.4(FOXP3):c.241C>T (p.Pro81Ser)

Gene: FOXP3 (forkhead box P3; minus strand). Cytogenetic location: Xp11.23.
Variant type: single nucleotide variant.
Coding change: c.241C>T on transcript NM_014009.4 (MANE Select); coding-DNA position 241, C replaced by T.
Protein change: p.Pro81Ser; replaces proline 81 with serine.
Molecular consequence: missense variant. On other transcripts: intron variant (1).
Genome position (GRCh38, 1-based): chrX:49,257,738, G>A on the plus strand (C>T on the coding strand, the complement: FOXP3 is on the minus strand). VCF-style: chrX-49257738-G-A. GRCh37 (hg19) VCF-style: chrX-49114195-G-A.
Other names: c.211-173C>T (NM_001114377.2); short protein forms P81S.
Identifiers: ClinVar variation 2124484 (VCV002124484.4), dbSNP rs2519195845, ClinGen allele CA412953588.

ClinVar aggregate classification (germline): Uncertain significance (1 of 4 stars; one submission).

Conditions:
Insulin-dependent diabetes mellitus secretory diarrhea syndrome (IPEX). Also called: DIABETES MELLITUS, CONGENITAL INSULIN-DEPENDENT, WITH FATAL SECRETORY DIARRHEA; DIARRHEA, POLYENDOCRINOPATHY, FATAL INFECTION SYNDROME, X-LINKED; ENTEROPATHY, AUTOIMMUNE, WITH HEMOLYTIC ANEMIA AND POLYENDOCRINOPATHY; X-Linked Autoimmunity-Allergic Dysregulation Syndrome; Immune dysregulation-polyendocrinopathy-enteropathy-X-linked syndrome; Immunodysregulation, polyendocrinopathy, and enteropathy, X-linked. Identifiers: Orphanet 37042, MedGen C0342288, MONDO:0010580, OMIM 304790. Disease mechanism: loss of function.

Submission:

Labcorp Genetics (formerly Invitae), Labcorp
Classification: Uncertain significance for Insulin-dependent diabetes mellitus secretory diarrhea syndrome. Last evaluated: 2022-04-04. Review status: criteria provided, single submitter. Criteria: Invitae Variant Classification Sherloc (09022015). Collection method: clinical testing. Allele origin: germline.
Comment: In summary, the available evidence is currently insufficient to determine the role of this variant in disease. Therefore, it has been classified as a Variant of Uncertain Significance. Advanced modeling of protein sequence and biophysical properties (such as structural, functional, and spatial information, amino acid conservation, physicochemical variation, residue mobility, and thermodynamic stability) performed at Invitae indicates that this missense variant is not expected to disrupt FOXP3 protein function. This variant has not been reported in the literature in individuals affected with FOXP3-related conditions. This variant is not present in population databases (gnomAD no frequency). This sequence change replaces proline, which is neutral and non-polar, with serine, which is neutral and polar, at codon 81 of the FOXP3 protein (p.Pro81Ser).